The following is an entry in ClinVar:

ClinVar aggregate classification (germline): Uncertain significance (1 of 4 stars; one submission).

Submission:

Labcorp Genetics (formerly Invitae), Labcorp
Classification: Uncertain significance. Last evaluated: 2022-08-31. Review status: criteria provided, single submitter. Criteria: Invitae Variant Classification Sherloc (09022015). Collection method: clinical testing. Allele origin: germline.
Comment: In summary, the available evidence is currently insufficient to determine the role of this variant in disease. Therefore, it has been classified as a Variant of Uncertain Significance. Advanced modeling of protein sequence and biophysical properties (such as structural, functional, and spatial information, amino acid conservation, physicochemical variation, residue mobility, and thermodynamic stability) performed at Invitae indicates that this missense variant is not expected to disrupt KCNQ5 protein function. ClinVar contains an entry for this variant (Variation ID: 1474618). This variant has not been reported in the literature in individuals affected with KCNQ5-related conditions. This variant is not present in population databases (gnomAD no frequency). This sequence change replaces threonine, which is neutral and polar, with alanine, which is neutral and non-polar, at codon 472 of the KCNQ5 protein (p.Thr472Ala).

NM_019842.4(KCNQ5):c.1357A>G (p.Thr453Ala)

Gene: KCNQ5 (potassium voltage-gated channel subfamily Q member 5; plus strand). Cytogenetic location: 6q13.
Variant type: single nucleotide variant.
Coding change: c.1357A>G on transcript NM_019842.4 (MANE Select); coding-DNA position 1357, A replaced by G.
Protein change: p.Thr453Ala; replaces threonine 453 with alanine.
Molecular consequence: missense variant. On other transcripts: intron variant (1).
Genome position (GRCh38, 1-based): chr6:73,133,530, A>G. VCF-style: chr6-73133530-A-G. GRCh37 (hg19) VCF-style: chr6-73843253-A-G.
Other names: c.1330A>G, p.Thr444Ala (NM_001160130.2); c.1387A>G, p.Thr463Ala (NM_001160132.2); c.1414A>G, p.Thr472Ala (NM_001160133.2); c.1247+9018A>G (NM_001160134.2); short protein forms T444A, T453A, T463A, T472A.
Identifiers: ClinVar variation 1474618 (VCV001474618.8), dbSNP rs2150457595, ClinGen allele CA364828273.